The following is an entry in ClinVar:

NM_000038.6(APC):c.4035A>G (p.Glu1345=)

Gene: APC (APC regulator of Wnt signaling pathway; plus strand). Cytogenetic location: 5q22.2.
Variant type: single nucleotide variant.
Coding change: c.4035A>G on transcript NM_000038.6 (MANE Select); coding-DNA position 4035, A replaced by G.
Protein change: p.Glu1345=; no amino-acid change (glutamic acid 1345 retained).
Molecular consequence: synonymous variant.
Genome position (GRCh38, 1-based): chr5:112,839,629, A>G. VCF-style: chr5-112839629-A-G. GRCh37 (hg19) VCF-style: chr5-112175326-A-G.
Other names: c.4035A>G, p.Glu1345= (NM_001127510.3, NM_001354895.2); c.3981A>G, p.Glu1327= (NM_001127511.3); c.4089A>G, p.Glu1363= (NM_001354896.2); c.4065A>G, p.Glu1355= (NM_001354897.2); c.3960A>G, p.Glu1320= (NM_001354898.2); c.3951A>G, p.Glu1317= (NM_001354899.2); c.3912A>G, p.Glu1304= (NM_001354900.2); c.3858A>G, p.Glu1286= (NM_001354901.2); and 5 more.
Identifiers: ClinVar variation 416748 (VCV000416748.20), dbSNP rs1060504886, ClinGen allele CA16611622.

ClinVar aggregate classification (germline): Benign/Likely benign. Review status: criteria provided, multiple submitters, no conflicts (2 of 4 stars). 5 submissions from 5 submitters: Benign (1); Likely benign (4). Last evaluated 2026-01-13.

Conditions:
Familial adenomatous polyposis 1 (FAP1). Also called: FAMILIAL ADENOMATOUS POLYPOSIS 1, ATTENUATED; POLYPOSIS, ADENOMATOUS INTESTINAL. Identifiers: MedGen C2713442, MONDO:0021056, OMIM 175100. Disease mechanism: loss of function.
Classic or attenuated familial adenomatous polyposis. Identifiers: MedGen CN372698, MONDO:0021057.
Hereditary cancer-predisposing syndrome. Also called: Tumor predisposition; Neoplastic Syndromes, Hereditary; Hereditary neoplastic syndrome; Hereditary Cancer Syndrome. Identifiers: Orphanet 140162, MedGen C0027672, MeSH D009386, MONDO:0015356.

Allele frequency attached by ClinVar (database versions not stated): gnomAD exomes 0.00001.

Submissions (5):

Labcorp Genetics (formerly Invitae), Labcorp
Classification: Likely benign for Familial adenomatous polyposis 1. Last evaluated: 2026-01-13. Review status: criteria provided, single submitter. Criteria: Invitae Variant Classification Sherloc (09022015). Collection method: clinical testing. Allele origin: germline.

Myriad Genetics, Inc.
Classification: Benign for Familial adenomatous polyposis 1. Last evaluated: 2024-03-25. Review status: criteria provided, single submitter. Criteria: Myriad Autosomal Dominant, Autosomal Recessive and X-Linked Classification Criteria (2023). Collection method: clinical testing. Allele origin: unknown.
Comment: This variant is considered benign. This variant is a silent/synonymous amino acid change and it is not expected to impact splicing.

All of Us Research Program, National Institutes of Health
Classification: Likely benign for Classic or attenuated familial adenomatous polyposis. Last evaluated: 2023-11-02. Review status: criteria provided, single submitter. Criteria: ACMG Guidelines, 2015. Collection method: clinical testing. Allele origin: germline. Inheritance: Autosomal dominant inheritance. Observed: 1 variant allele, 1 heterozygote.
Comment: This study involves interpretation of variants in research participants for the purpose of population health screening. Participant phenotype was not available at the time of variant classification. Additional details can be found in publication PMID: 35346344, PMCID: PMC8962531

Color Diagnostics, LLC DBA Color Health
Classification: Likely benign for Hereditary cancer-predisposing syndrome. Last evaluated: 2019-11-22. Review status: criteria provided, single submitter. Criteria: ACMG Guidelines, 2015. Collection method: clinical testing. Allele origin: germline.

Ambry Genetics
Classification: Likely benign for Hereditary cancer-predisposing syndrome. Last evaluated: 2016-12-29. Review status: criteria provided, single submitter. Criteria: Ambry Variant Classification Scheme 2023. Collection method: clinical testing. Allele origin: germline.